The following is an entry in ClinVar:

ClinVar aggregate classification (germline): Uncertain significance. Review status: criteria provided, multiple submitters, no conflicts (2 of 4 stars). 3 submissions from 3 submitters: Uncertain significance (3). Last evaluated 2025-08-15.

Conditions:
Hereditary nonpolyposis colorectal neoplasms. Identifiers: MedGen C0009405, MeSH D003123.
Hereditary cancer-predisposing syndrome. Also called: Neoplastic Syndromes, Hereditary; Hereditary Cancer Syndrome; Hereditary neoplastic syndrome; Tumor predisposition. Identifiers: Orphanet 140162, MedGen C0027672, MeSH D009386, MONDO:0015356.

Allele frequency attached by ClinVar (database versions not stated): gnomAD exomes below 0.00001; gnomAD 0.00001; 1000 Genomes Project 30x 0.00016.
gnomAD v4.1: 4 of 1,612,034 alleles (0.00025%); highest among the groups gnomAD compares: African/African-American, 0.0027%; no homozygotes.

Submissions (3):

Ambry Genetics
Classification: Uncertain significance for Hereditary cancer-predisposing syndrome. Last evaluated: 2025-08-15. Review status: criteria provided, single submitter. Criteria: Ambry Variant Classification Scheme 2023. Collection method: clinical testing. Allele origin: germline.
Comment: The p.K1045E variant (also known as c.3133A>G), located in coding exon 4 of the MSH6 gene, results from an A to G substitution at nucleotide position 3133. The lysine at codon 1045 is replaced by glutamic acid, an amino acid with similar properties. This amino acid position is not well conserved in available vertebrate species. In addition, the in silico prediction for this alteration is inconclusive. Based on the available evidence, the clinical significance of this variant remains unclear.

Labcorp Genetics (formerly Invitae), Labcorp
Classification: Uncertain significance for Hereditary nonpolyposis colorectal neoplasms. Last evaluated: 2025-04-08. Review status: criteria provided, single submitter. Criteria: Invitae Variant Classification Sherloc (09022015). Collection method: clinical testing. Allele origin: germline.
Comment: This sequence change replaces lysine, which is basic and polar, with glutamic acid, which is acidic and polar, at codon 1045 of the MSH6 protein (p.Lys1045Glu). This variant is not present in population databases (gnomAD no frequency). This variant has not been reported in the literature in individuals affected with MSH6-related conditions. ClinVar contains an entry for this variant (Variation ID: 1060422). Invitae Evidence Modeling of protein sequence and biophysical properties (such as structural, functional, and spatial information, amino acid conservation, physicochemical variation, residue mobility, and thermodynamic stability) indicates that this missense variant is not expected to disrupt MSH6 protein function with a negative predictive value of 95%. In summary, the available evidence is currently insufficient to determine the role of this variant in disease. Therefore, it has been classified as a Variant of Uncertain Significance.

Color Diagnostics, LLC DBA Color Health
Classification: Uncertain significance for Hereditary cancer-predisposing syndrome. Last evaluated: 2024-07-26. Review status: criteria provided, single submitter. Criteria: ACMG Guidelines, 2015. Collection method: clinical testing. Allele origin: germline.
Comment: This missense variant replaces lysine with glutamic acid at codon 1045 of the MSH6 protein. Computational prediction suggests that this variant may not impact protein structure and function (internally defined REVEL score threshold <= 0.5, PMID: 27666373). To our knowledge, functional studies have not been reported for this variant. This variant has not been reported in individuals affected with MSH6-related disorders in the literature. This variant has not been identified in the general population by the Genome Aggregation Database (gnomAD). The available evidence is insufficient to determine the role of this variant in disease conclusively. Therefore, this variant is classified as a Variant of Uncertain Significance.

NM_000179.3(MSH6):c.3133A>G (p.Lys1045Glu)

Gene: MSH6 (mutS homolog 6; plus strand). Cytogenetic location: 2p16.3.
Variant type: single nucleotide variant.
Coding change: c.3133A>G on transcript NM_000179.3 (MANE Select); coding-DNA position 3133, A replaced by G.
Protein change: p.Lys1045Glu; replaces lysine 1045 with glutamic acid.
Molecular consequence: missense variant.
Genome position (GRCh38, 1-based): chr2:47,801,116, A>G. VCF-style: chr2-47801116-A-G. GRCh37 (hg19) VCF-style: chr2-48028255-A-G.
Other names: c.3133A>G (NM_000179.2); c.2743A>G, p.Lys915Glu (NM_001281492.2); c.2227A>G, p.Lys743Glu (NM_001281493.2, NM_001281494.2); short protein forms K1045E, K743E, K915E.
Identifiers: ClinVar variation 1060422 (VCV001060422.11), dbSNP rs2104441885, ClinGen allele CA346756670.